The following is an entry in ClinVar:

ClinVar aggregate classification (germline): Pathogenic (1 of 4 stars; one submission).

Conditions:
Long QT syndrome (LQTS). Identifiers: MedGen C0023976, MeSH D008133, MONDO:0002442. Disease mechanism: loss of function. Inheritance: Various modes of inheritance.

Submission:

Labcorp Genetics (formerly Invitae), Labcorp
Classification: Pathogenic for Long QT syndrome. Last evaluated: 2021-10-03. Review status: criteria provided, single submitter. Criteria: Invitae Variant Classification Sherloc (09022015). Collection method: clinical testing. Allele origin: germline.
Comment: This variant is an out-of-frame deletion of the genomic region encompassing exon(s) 3-5 of the KCNH2 gene. This is expected to create a premature translational stop signal and result in an absent or disrupted protein product. This variant has not been reported in the literature in individuals with KCNH2-related conditions. Loss-of-function variants in KCNH2 are known to be pathogenic (PMID: 10973849, 19862833). For these reasons, this variant has been classified as Pathogenic.

Literature cited by the submitters: PubMed 10973849; PubMed 19862833.

NC_000007.13:g.(?_150654359)_(150657201_?)del

Gene: KCNH2 (potassium voltage-gated channel subfamily H member 2; minus strand). Cytogenetic location: 7q36.1.
Variant type: Deletion.
Identifiers: ClinVar variation 2422622 (VCV002422622.3).